The following is an entry in ClinVar:

NM_001378454.1(ALMS1):c.3730A>G (p.Lys1244Glu)

Gene: ALMS1 (ALMS1 centrosome and basal body associated protein; plus strand). Cytogenetic location: 2p13.1.
Variant type: single nucleotide variant.
Coding change: c.3730A>G on transcript NM_001378454.1 (MANE Select); coding-DNA position 3730, A replaced by G.
Protein change: p.Lys1244Glu; replaces lysine 1244 with glutamic acid.
Molecular consequence: missense variant.
Genome position (GRCh38, 1-based): chr2:73,450,257, A>G. VCF-style: chr2-73450257-A-G. GRCh37 (hg19) VCF-style: chr2-73677384-A-G.
Other names: c.3733A>G, p.Lys1245Glu (NM_015120.4); short protein forms K1245E, K1244E.
Identifiers: ClinVar variation 929992 (VCV000929992.8), dbSNP rs757303904, ClinGen allele CA1713582.

ClinVar aggregate classification (germline): Conflicting classifications of pathogenicity. Review status: criteria provided, conflicting classifications (1 of 4 stars). 4 submissions from 4 submitters: Uncertain significance (3); Likely benign (1). Last evaluated 2025-03-06.

Conditions:
Cardiovascular phenotype. Identifiers: MedGen CN230736.
Alstrom syndrome (ALMS). Identifiers: Orphanet 64, MedGen C0268425, MONDO:0008763, OMIM 203800.

Allele frequency attached by ClinVar (database versions not stated): gnomAD exomes below 0.00001; ExAC 0.00001; TOPMed 0.00001.
gnomAD v4.1: 3 of 1,614,050 alleles (0.00019%); highest among the groups gnomAD compares: Non-Finnish European, 0.00017%; no homozygotes.

Submissions (4):

Ambry Genetics
Classification: Likely benign for Cardiovascular phenotype. Last evaluated: 2025-03-06. Review status: criteria provided, single submitter. Criteria: Ambry Variant Classification Scheme 2023. Collection method: clinical testing. Allele origin: germline.

Blueprint Genetics
Classification: Uncertain significance. Last evaluated: 2024-03-07. Review status: criteria provided, single submitter. Criteria: ACMG Guidelines, 2015. Collection method: clinical testing. Allele origin: germline.

Labcorp Genetics (formerly Invitae), Labcorp
Classification: Uncertain significance for Alstrom syndrome. Last evaluated: 2022-05-27. Review status: criteria provided, single submitter. Criteria: Invitae Variant Classification Sherloc (09022015). Collection method: clinical testing. Allele origin: germline.
Comment: This sequence change replaces lysine, which is basic and polar, with glutamic acid, which is acidic and polar, at codon 1245 of the ALMS1 protein (p.Lys1245Glu). This variant is not present in population databases (gnomAD no frequency). This variant has not been reported in the literature in individuals affected with ALMS1-related conditions. ClinVar contains an entry for this variant (Variation ID: 929992). Algorithms developed to predict the effect of missense changes on protein structure and function output the following: SIFT: "Not Available"; PolyPhen-2: "Not Available"; Align-GVGD: "Not Available". The glutamic acid amino acid residue is found in multiple mammalian species, which suggests that this missense change does not adversely affect protein function. In summary, the available evidence is currently insufficient to determine the role of this variant in disease. Therefore, it has been classified as a Variant of Uncertain Significance.

Laboratory for Molecular Medicine, Mass General Brigham Personalized Medicine
Classification: Uncertain significance. Last evaluated: 2019-07-19. Review status: criteria provided, single submitter. Criteria: LMM Criteria. Collection method: clinical testing. Allele origin: germline. Observed: 1 variant allele.
Comment: The p.Lys1245Glu variant in ALMS1 has not been previously reported in individuals with hearing loss or Alstrom syndrome and was absent from large population studies. Computational prediction tools and conservation analyses suggest that this variant may impact the protein, though this information is not predictive enough to determine pathogenicity. In summary, the clinical significance of this variant is uncertain. ACMG/AMP Criteria applied: PM2, PP3.